The following is an entry in ClinVar:

NM_001368894.2(PAX6):c.399+2T>C

Gene: PAX6 (paired box 6; minus strand). Cytogenetic location: 11p13.
Variant type: single nucleotide variant.
Coding change: c.399+2T>C on transcript NM_001368894.2 (MANE Select); the canonical splice donor site of the intron after coding-DNA position 399, T replaced by C.
Molecular consequence: splice donor variant. On other transcripts: 5 prime UTR variant (3), intron variant (8).
Genome position (GRCh38, 1-based): chr11:31,801,559, A>G on the plus strand (T>C on the coding strand, the complement: PAX6 is on the minus strand). VCF-style: chr11-31801559-A-G. GRCh37 (hg19) VCF-style: chr11-31823107-A-G.
Other names: c.-381T>C (NM_001310160.2, NM_001368902.2, NM_001368905.2); c.357+2T>C (NM_001127612.3, NM_001368890.2, NM_001368888.2 and 10 more transcripts); c.198+203T>C (NM_001368921.2, NM_001368923.2, NM_001368926.2 and 4 more transcripts); c.399+2T>C (NM_001258462.3, NM_001310158.2, NM_001258463.2 and 6 more transcripts); c.474+2T>C (NM_001368919.2, NM_001368918.2); c.600+2T>C (NM_001368910.2); c.-52+2T>C (NM_001368909.2, NM_001368904.2, NM_001368906.2 and 8 more transcripts); c.402+2T>C (NM_001368911.2); and 2 more.
Identifiers: ClinVar variation 1434624 (VCV001434624.6), dbSNP rs2135086958, ClinGen allele CA379958428.
Genomic context (GRCh38, chr11:31,801,559, plus strand): 5'-AGGTAAAGAGGAGAGAGCATTGGGCTTAGGGCAGGGAGGGCAGATGTTCTCAATGAACTT[A>G]CGCTTGGTATGTTATCGTTGGTACAGACCCCCTCGGACAGTAATCTGTCTCGGATTTCCC-3'

ClinVar aggregate classification (germline): Pathogenic (1 of 4 stars; one submission).

Conditions:
Irido-corneo-trabecular dysgenesis (ASGD5). Also called: ANTERIOR SEGMENT DYSGENESIS 5. Identifiers: Orphanet 708, MedGen C0344559, MONDO:0011414, OMIM 604229, HP:0000659.
Aniridia 1 (AN1). Identifiers: Orphanet 250923, MedGen C0344542, MONDO:0024507, OMIM 106210.

Submission:

Labcorp Genetics (formerly Invitae), Labcorp
Classification: Pathogenic for Aniridia 1; Irido-corneo-trabecular dysgenesis. Last evaluated: 2022-11-01. Review status: criteria provided, single submitter. Criteria: Invitae Variant Classification Sherloc (09022015). Collection method: clinical testing. Allele origin: germline.
Comment: This variant is not present in population databases (gnomAD no frequency). This sequence change affects a donor splice site in intron 6 of the PAX6 gene. It is expected to disrupt RNA splicing. Variants that disrupt the donor or acceptor splice site typically lead to a loss of protein function (PMID: 16199547), and loss-of-function variants in PAX6 are known to be pathogenic (PMID: 12634864). Disruption of this splice site has been observed in individual(s) with aniridia (PMID: 8364574, 9138149, 18776953, 26661695, 32360764; Invitae). ClinVar contains an entry for this variant (Variation ID: 1434624). Algorithms developed to predict the effect of sequence changes on RNA splicing suggest that this variant may disrupt the consensus splice site. For these reasons, this variant has been classified as Pathogenic.

Literature cited by the submitters: PubMed 16199547; PubMed 12634864; PubMed 8364574; PubMed 9138149; PubMed 18776953; PubMed 26661695; PubMed 32360764.